The following is an entry in ClinVar:

NM_000515.5(GH1):c.625C>T (p.Arg209Cys)

Genes: GH-LCR (growth hormone locus control region; plus strand), GH1 (growth hormone 1; minus strand). Cytogenetic location: 17q23.3.
Variant type: single nucleotide variant.
Coding change: c.625C>T on transcript NM_000515.5 (MANE Select); coding-DNA position 625, C replaced by T.
Protein change: p.Arg209Cys; replaces arginine 209 with cysteine.
Molecular consequence: missense variant.
Genome position (GRCh38, 1-based): chr17:63,917,338, G>A on the plus strand (C>T on the coding strand, the complement: GH1 is on the minus strand). VCF-style: chr17-63917338-G-A. GRCh37 (hg19) VCF-style: chr17-61994698-G-A.
Other names: c.580C>T, p.Arg194Cys (NM_022559.4); c.505C>T, p.Arg169Cys (NM_022560.4); short protein forms R169C, R194C, R209C.
Identifiers: ClinVar variation 3363890 (VCV003363890.1).

ClinVar aggregate classification (germline): Uncertain significance (1 of 4 stars; one submission).

Submission:

GeneDx
Classification: Uncertain significance. Last evaluated: 2023-11-09. Review status: criteria provided, single submitter. Criteria: GeneDx Variant Classification Process June 2021. Collection method: clinical testing. Allele origin: germline. Affected: yes.
Comment: In silico analysis supports that this missense variant has a deleterious effect on protein structure/function; Has not been previously published as pathogenic or benign to our knowledge